The following is an entry in ClinVar:

NM_015272.5(RPGRIP1L):c.467G>A (p.Arg156His)

Gene: RPGRIP1L (RPGRIP1 like; minus strand). Cytogenetic location: 16q12.2.
Variant type: single nucleotide variant.
Coding change: c.467G>A on transcript NM_015272.5 (MANE Select); coding-DNA position 467, G replaced by A.
Protein change: p.Arg156His; replaces arginine 156 with histidine.
Molecular consequence: missense variant.
Genome position (GRCh38, 1-based): chr16:53,692,128, C>T on the plus strand (G>A on the coding strand, the complement: RPGRIP1L is on the minus strand). VCF-style: chr16-53692128-C-T. GRCh37 (hg19) VCF-style: chr16-53726040-C-T.
Other names: c.467G>A, p.Arg156His (NM_001127897.4, NM_001308334.3, NM_001330538.2); short protein forms R156H.
Identifiers: ClinVar variation 2056035 (VCV002056035.2), dbSNP rs368033553, ClinGen allele CA8058116.
Genomic context (GRCh38, chr16:53,692,128, plus strand): 5'-TTCCTGGGGCATTCCTGTAAACCAGCATTTTCATTTGCTTTTCTACGCCCAGTGTTAATA[C>T]GAGATTGTACATTATTGTATGGAGTTTGCCTGTAACCCTGGGTTTGAAGTTGCTGTTTGG-3'
Protein context (NP_056087.2, residues 146-166): RQTPYNNVQS[Arg156His]INTGRRKANE

ClinVar aggregate classification (germline): Uncertain significance (1 of 4 stars; one submission).

Conditions:
Joubert syndrome. Also called: CEREBELLOPARENCHYMAL DISORDER IV; JOUBERT-BOLTSHAUSER SYNDROME; Familial aplasia of the vermis. Identifiers: Orphanet 475, MedGen C5979921, MONDO:0018772.
Meckel-Gruber syndrome. Also called: DYSENCEPHALIA SPLANCHNOCYSTICA; GRUBER SYNDROME; Dysencephalia splachnocystica. Identifiers: Orphanet 564, MedGen C0265215, MONDO:0018921.

Allele frequency attached by ClinVar (database versions not stated): ExAC 0.00001; gnomAD 0.00001; gnomAD exomes 0.00001; TOPMed 0.00001; ESP Exome Variant Server 0.00008.
gnomAD v4.1: 12 of 1,613,846 alleles (0.00074%); highest among the groups gnomAD compares: South Asian, 0.0022%; no homozygotes.

Submission:

Labcorp Genetics (formerly Invitae), Labcorp
Classification: Uncertain significance for Joubert syndrome; Meckel-Gruber syndrome. Last evaluated: 2024-09-06. Review status: criteria provided, single submitter. Criteria: Invitae Variant Classification Sherloc (09022015). Collection method: clinical testing. Allele origin: germline.
Comment: This sequence change replaces arginine, which is basic and polar, with histidine, which is basic and polar, at codon 156 of the RPGRIP1L protein (p.Arg156His). This variant is present in population databases (rs368033553, gnomAD 0.007%). This variant has not been reported in the literature in individuals affected with RPGRIP1L-related conditions. ClinVar contains an entry for this variant (Variation ID: 2056035). Invitae Evidence Modeling of protein sequence and biophysical properties (such as structural, functional, and spatial information, amino acid conservation, physicochemical variation, residue mobility, and thermodynamic stability) indicates that this missense variant is not expected to disrupt RPGRIP1L protein function with a negative predictive value of 80%. In summary, the available evidence is currently insufficient to determine the role of this variant in disease. Therefore, it has been classified as a Variant of Uncertain Significance.